The following is an entry in ClinVar:

ClinVar aggregate classification (germline): Benign. Review status: criteria provided, multiple submitters, no conflicts (2 of 4 stars). 3 submissions from 3 submitters: Benign (3). Last evaluated 2022-07-01.

Conditions:
Pseudohypoparathyroidism type 1B (PHP1B). Also called: PHP IB; Pseudohypoparathyroidism Ib (PHP-Ib); Pseudohypoparathyroidism Type IB. Identifiers: Orphanet 94089, MedGen C1864100, MONDO:0011301, OMIM 603233.

Allele frequency attached by ClinVar (database versions not stated): 1000 Genomes Project 0.00339; 1000 Genomes Project 30x 0.00359; TOPMed 0.00385; gnomAD exomes 0.00433.
gnomAD v4.1: 529 of 159,326 alleles (0.33%); highest among the groups gnomAD compares: Middle Eastern, 1.3%; 3 homozygotes.

Submissions (3):

CeGaT Center for Human Genetics Tuebingen
Classification: Benign. Last evaluated: 2022-07-01. Review status: criteria provided, single submitter. Criteria: CeGaT Center For Human Genetics Tuebingen Variant Classification Criteria Version 2. Collection method: clinical testing. Allele origin: germline. Affected: yes. Observed: 2 variant alleles.
Comment: STX16: BS1, BS2

Illumina Laboratory Services, Illumina
Classification: Benign for Pseudohypoparathyroidism type 1B. Last evaluated: 2018-01-13. Review status: criteria provided, single submitter. Criteria: ICSL Variant Classification Criteria 13 December 2019. Collection method: clinical testing. Allele origin: germline.
Comment: This variant was observed in the ICSL laboratory as part of a predisposition screen in an ostensibly healthy population. It had not been previously curated by ICSL or reported in the Human Gene Mutation Database (HGMD: prior to June 1st, 2018), and was therefore a candidate for classification through an automated scoring system. Utilizing variant allele frequency, disease prevalence and penetrance estimates, and inheritance mode, an automated score was calculated to assess if this variant is too frequent to cause the disease. Based on the score and internal cut-off values, a variant classified as benign is not then subjected to further curation. The score for this variant resulted in a classification of benign for this disease.

Breakthrough Genomics
Classification: Benign. Review status: criteria provided, single submitter. Criteria: ACMG Guidelines, 2015. Collection method: not provided. Allele origin: germline. Inheritance: Autosomal dominant inheritance. Affected: yes.

NM_001001433.3(STX16):c.-464G>A

Genes: STX16 (syntaxin 16; plus strand), STX16-NPEPL1 (STX16-NPEPL1 readthrough (NMD candidate); plus strand). Cytogenetic location: 20q13.32.
Variant type: single nucleotide variant.
Coding change: c.-464G>A on transcript NM_001001433.3 (MANE Select); 464 bases upstream of the start codon, G replaced by A.
Molecular consequence: 5 prime UTR variant. On other transcripts: non-coding transcript variant (2), intron variant (1).
Genome position (GRCh38, 1-based): chr20:58,651,543, G>A. VCF-style: chr20-58651543-G-A. GRCh37 (hg19) VCF-style: chr20-57226599-G-A.
Other names: c.-464G>A (NM_001134772.3, NM_001134773.3, NM_003763.6); c.-94+109G>A (NM_001204868.2).
Identifiers: ClinVar variation 339036 (VCV000339036.30), dbSNP rs41296203, ClinGen allele CA10652698.